The following is an entry in ClinVar:

NM_005811.5(GDF11):c.154G>T (p.Ala52Ser)

Gene: GDF11 (growth differentiation factor 11; plus strand). Cytogenetic location: 12q13.2.
Variant type: single nucleotide variant.
Coding change: c.154G>T on transcript NM_005811.5 (MANE Select); coding-DNA position 154, G replaced by T.
Protein change: p.Ala52Ser; replaces alanine 52 with serine.
Molecular consequence: missense variant.
Genome position (GRCh38, 1-based): chr12:55,743,470, G>T. VCF-style: chr12-55743470-G-T. GRCh37 (hg19) VCF-style: chr12-56137254-G-T.
Other names: short protein forms A52S.
Identifiers: ClinVar variation 3252160 (VCV003252160.1), dbSNP rs2540202807.

ClinVar aggregate classification (germline): Uncertain significance (1 of 4 stars; one submission).

Submission:

GeneDx
Classification: Uncertain significance. Last evaluated: 2023-12-14. Review status: criteria provided, single submitter. Criteria: GeneDx Variant Classification Process June 2021. Collection method: clinical testing. Allele origin: germline. Affected: yes.
Comment: Not observed at significant frequency in large population cohorts (gnomAD); In silico analysis supports that this missense variant does not alter protein structure/function; Has not been previously published as pathogenic or benign to our knowledge